The following continues an entry in ClinVar:

NM_007294.4(BRCA1):c.116G>A (p.Cys39Tyr)

Gene: BRCA1. ClinVar aggregate classification (germline): Pathogenic/Likely pathogenic. Pathogenic (13); Likely pathogenic (1).

Submissions 5 to 21 of 21:

Color Diagnostics, LLC DBA Color Health
Classification: Pathogenic for Hereditary cancer-predisposing syndrome. Last evaluated: 2023-07-31. Review status: criteria provided, single submitter. Criteria: ACMG Guidelines, 2015. Collection method: clinical testing. Allele origin: germline.
Comment: This missense variant replaces cysteine with tyrosine at codon 39 of the BRCA1 protein. Computational prediction suggests that this variant may have deleterious impact on protein structure and function (internally defined REVEL score threshold >= 0.7, PMID: 27666373). Functional studies have reported that this variant impacts BRCA1 function in homology-directed DNA repair, ubiquitin E3 ligase, haploid cell proliferation, centrosome duplication and yeast colony size assays (PMID: 11320250, 20103620, 21725363, 23161852, 25823446, 27272900, 30209399). This variant has been detected in at least eight individuals affected with breast and/or ovarian cancer and additional suspected hereditary breast and ovarian cancer families (PMID: 9808526, 22752604, 22923021, 26852130, 32894085). Other missense substitutions at this codon to serine, arginine, glycine, phenylalanine and tryptophan also have been reported as disease-causing in ClinVar (variation ID 37393, 54151, 54152, 54153, 267497, 867499). This variant has been identified in 1/31396 chromosomes in the general population by the Genome Aggregation Database (gnomAD). Based on the available evidence, this variant is classified as Pathogenic.

Baylor Genetics
Classification: Pathogenic for Breast-ovarian cancer, familial, susceptibility to, 1. Last evaluated: 2023-06-15. Review status: criteria provided, single submitter. Criteria: ACMG Guidelines, 2015. Collection method: clinical testing. Allele origin: unknown.

Centre for Mendelian Genomics, University Medical Centre Ljubljana
Classification: Pathogenic for Breast-ovarian cancer, familial, susceptibility to, 1. Last evaluated: 2022-12-09. Review status: criteria provided, single submitter. Criteria: ACMG Guidelines, 2015. Collection method: research. Allele origin: germline. Affected: no.
Comment: PS3, PS4_STR, PM2_SUP, PM5

Quest Diagnostics Nichols Institute San Juan Capistrano
Classification: Pathogenic. Last evaluated: 2022-12-03. Review status: criteria provided, single submitter. Criteria: Quest Diagnostics criteria. Collection method: clinical testing. Allele origin: unknown.
Comment: The frequency of this variant in the general population, 0.000032 (1/31396 chromosomes), is consistent with pathogenicity. In the published literature, the variant has been reported in individuals with a personal and/or family history of breast and/or ovarian cancer (PMIDs: 9808526 (1998), 22923021 (2012), 23397983 (2014), 26852130 (2016), 30078507 (2018), 29446198 (2018), and 32772980 (2020). Functional studies report a reduction of E3 ubiquitin ligase activity, RING domain binding, resistance to ionizing radiation, and DNA repair ability (PMIDs: 11320250 (2001), 20103620 (2010), 25823446 (2015), and 33087888 (2021)). Additionally, the variant is linked to the amplification of centromeres, leading to an increase in abnormal chromosomes within cells (PMID: 21725363 (2012)). Yeast assays further support the variant's pathogenicity via colony growth patterns (PMID: 21922593 (2011). Analysis of this variant using bioinformatics tools for the prediction of the effect of amino acid changes on protein structure and function yielded predictions that this variant is damaging. Based on the available information, this variant is classified as pathogenic.

GeneDx
Classification: Pathogenic. Last evaluated: 2022-04-29. Review status: criteria provided, single submitter. Criteria: GeneDx Variant Classification Process June 2021. Collection method: clinical testing. Allele origin: germline. Affected: yes.
Comment: Observed in multiple Hereditary Breast and Ovarian Cancer families, and has been described as a pathogenic founder variant from regions of Italy and Slovenia (Santarosa 1998, Stegel 2011, Juwle 2012, Novakovic 2012, Krajc 2014, Cini 2016); Published functional studies demonstrate a damaging effect: defective ubiquitin ligase activity, homology directed repair activity, BARD1 binding, double-strand break repair, and classified as non-functional based on a saturation genome editing (SGE) assay measuring cell survival (Ruffner 2001, Ransburgh 2010, Millot 2011, Kais 2012, Towler 2013, Findlay 2018); In silico analysis supports that this missense variant has a deleterious effect on protein structure/function; Not observed at significant frequency in large population cohorts (gnomAD); Also known as 235G>A; This variant is associated with the following publications: (PMID: 26852130, 21232165, 22923021, 15385441, 20103620, 30733539, 29446198, 21922593, 23161852, 15235020, 21725363, 11320250, 9808526, 22752604, 23397983, 25823446, 27272900, 30209399, 30696104, 30040829, 32719484, 30078507, 24389207, 20104584, 8944023, 33087888)

Sema4
Classification: Pathogenic for Hereditary cancer-predisposing syndrome. Last evaluated: 2021-04-05. Review status: criteria provided, single submitter. Criteria: Sema4 Curation Guidelines. Collection method: curation. Allele origin: germline.
Comment: The BRCA1 c.116G>A (p.C39Y) variant has been reported in heterozygosity in numerous families and individuals with hereditary breast and/or ovarian cancer (PMID: 9808526, 22923021, 21232165, 22752604). Functional studies have shown that this variant impairs ubiquitin ligase activity, radiation resistance, homology directed repair, BARD1 binding, and control of centrosome number (PMID: 21725363, 11320250, 20103620). Additionally, a BRCA1 saturation genome editing functional validation study confirmed disruption of protein function (PMID: 30209399). This variant is also known as c.235G>A in the literature. This variant was observed in 1/15426 chromosomes in the Non-Finnish European population according to the Genome Aggregation Database (PMID: 32461654). This variant has been reported in ClinVar (Variation ID: 37392). In silico tools suggest the impact of the variant on protein function is deleterious. A different pathogenic missense change at this codon, c.115T>C (p.Cys39Arg), has been reported in individuals affected with hereditary breast and/or ovarian cancer (PMID: 12827452, 18489799, 21203900, 28993434). Based on the current evidence available, this variant is interpreted as pathogenic.

Department of Molecular Diagnostics, Institute of Oncology Ljubljana
Classification: Pathogenic for Breast-ovarian cancer, familial, susceptibility to, 1. Last evaluated: 2020-04-02. Review status: criteria provided, single submitter. Criteria: ACMG Guidelines, 2015. Collection method: clinical testing. Allele origin: germline. Affected: yes.

CeGaT Center for Human Genetics Tuebingen
Classification: Pathogenic. Last evaluated: 2019-10-01. Review status: criteria provided, single submitter. Criteria: CeGaT Center For Human Genetics Tuebingen Variant Classification Criteria Version 2. Collection method: clinical testing. Allele origin: germline. Affected: yes. Observed: 1 variant allele.

3DMed Clinical Laboratory Inc
Classification: Pathogenic for Neoplasm of the breast. Last evaluated: 2017-08-19. Review status: criteria provided, single submitter. Criteria: ACMG Guidelines, 2015. Collection method: clinical testing. Allele origin: germline. Affected: yes.

Consortium of Investigators of Modifiers of BRCA1/2 (CIMBA), c/o University of Cambridge
Classification: Pathogenic for Breast-ovarian cancer, familial, susceptibility to, 1. Last evaluated: 2015-10-02. Review status: criteria provided, single submitter. Criteria: CIMBA Mutation Classification guidelines May 2016. Collection method: clinical testing. Allele origin: germline.

BRCAlab, Lund University
Classification: Pathogenic for Breast-ovarian cancer, familial, susceptibility to, 1. Last evaluated: 2020-03-02. Review status: no assertion criteria provided. Collection method: clinical testing. Allele origin: germline. Affected: yes. Not counted in ClinVar's aggregate classification.

Research Molecular Genetics Laboratory, Women's College Hospital, University of Toronto
Classification: Likely pathogenic for Hereditary breast ovarian cancer syndrome. Last evaluated: 2015-12-17. Review status: no assertion criteria provided. Collection method: research. Allele origin: germline. Affected: yes. Study: The Canadian Open Genetics Repository (COGR). Not counted in ClinVar's aggregate classification.

Sharing Clinical Reports Project (SCRP)
Classification: Pathogenic for Breast-ovarian cancer, familial 1. Last evaluated: 2006-12-11. Review status: no assertion criteria provided. Collection method: clinical testing. Allele origin: germline. Not counted in ClinVar's aggregate classification.

Breast Cancer Information Core (BIC) (BRCA1)
Classification: Uncertain significance for Breast-ovarian cancer, familial 1. Last evaluated: 2002-05-29. Review status: no assertion criteria provided. Collection method: clinical testing. Allele origin: germline. Affected: yes. Observed: 5 variant alleles. Not counted in ClinVar's aggregate classification.

Brotman Baty Institute, University of Washington
No classification provided (evidence only). Condition: Breast-ovarian cancer, familial 1. Review status: no classification provided. Collection method: in vitro. Allele origin: not applicable. Functional consequence: functionally_abnormal. Not counted in ClinVar's aggregate classification.
ClinVar note: "not provided" was previously submitted as the classification for the variant. However, the classification appeared to be based only on an observation of functional data so it was converted to no classification on 2025-07-30.

Department of Pathology and Laboratory Medicine, Sinai Health System
Classification: Pathogenic. Review status: no assertion criteria provided. Collection method: clinical testing. Allele origin: unknown. Affected: yes. Study: The Canadian Open Genetics Repository (COGR). Not counted in ClinVar's aggregate classification.

Laboratory of Urology, Hospital Clinic de Barcelona
Classification: Pathogenic for Malignant tumor of urinary bladder. Review status: no assertion criteria provided. Collection method: research. Allele origin: somatic. Affected: yes. Not counted in ClinVar's aggregate classification.

Literature cited by the submitters: PubMed 9808526 (cited by 5 submitters); PubMed 21232165 (cited by Labcorp Genetics (formerly Invitae), Labcorp and Sema4); PubMed 22752604 (cited by 4 submitters); PubMed 22923021 (cited by 5 submitters); PubMed 23397983 (cited by 3 submitters); PubMed 26852130 (cited by 5 submitters); PubMed 30209399 (cited by 6 submitters); PubMed 11320250 (cited by 6 submitters); PubMed 20103620 (cited by 5 submitters); PubMed 21725363 (cited by 6 submitters); PubMed 21922593 (cited by Labcorp Genetics (formerly Invitae), Labcorp and Quest Diagnostics Nichols Institute San Juan Capistrano); PubMed 23161852 (cited by 4 submitters); PubMed 27272900 (cited by 4 submitters); PubMed 12827452 (cited by Labcorp Genetics (formerly Invitae), Labcorp and Sema4); PubMed 18500671 (cited by Labcorp Genetics (formerly Invitae), Labcorp); PubMed 19504351 (cited by Labcorp Genetics (formerly Invitae), Labcorp); PubMed 19543972 (cited by Labcorp Genetics (formerly Invitae), Labcorp); PubMed 21990134 (cited by Labcorp Genetics (formerly Invitae), Labcorp); PubMed 23683081 (cited by Labcorp Genetics (formerly Invitae), Labcorp); PubMed 25823446 (cited by 4 submitters); PubMed 29446198 (cited by Ambry Genetics and Quest Diagnostics Nichols Institute San Juan Capistrano); PubMed 32894085 (cited by 3 submitters); PubMed 33087888 (cited by Quest Diagnostics Nichols Institute San Juan Capistrano); PubMed 30078507 (cited by Quest Diagnostics Nichols Institute San Juan Capistrano); PubMed 32719484 (cited by Quest Diagnostics Nichols Institute San Juan Capistrano); PubMed 32772980 (cited by Quest Diagnostics Nichols Institute San Juan Capistrano); PubMed 31794323 (cited by Quest Diagnostics Nichols Institute San Juan Capistrano); PubMed 15235020 (cited by Quest Diagnostics Nichols Institute San Juan Capistrano); PubMed 18489799 (cited by Sema4); PubMed 21203900 (cited by Sema4); PubMed 28993434 (cited by Sema4).